The following is an entry in ClinVar:

NM_002878.4(RAD51D):c.10C>G (p.Leu4Val)

Genes: RAD51D (RAD51 paralog D; minus strand), RAD51L3-RFFL (RAD51L3-RFFL readthrough; minus strand). Cytogenetic location: 17q12.
Variant type: single nucleotide variant.
Coding change: c.10C>G on transcript NM_002878.4 (MANE Select); coding-DNA position 10, C replaced by G.
Protein change: p.Leu4Val; replaces leucine 4 with valine.
Molecular consequence: missense variant. On other transcripts: non-coding transcript variant (2).
Genome position (GRCh38, 1-based): chr17:35,119,604, G>C on the plus strand (C>G on the coding strand, the complement: RAD51D is on the minus strand). VCF-style: chr17-35119604-G-C. GRCh37 (hg19) VCF-style: chr17-33446623-G-C.
Other names: c.10C>G, p.Leu4Val (NM_001142571.2, NM_133629.3); short protein forms L4V.
Identifiers: ClinVar variation 960004 (VCV000960004.9), dbSNP rs1555570507, ClinGen allele CA399092592.

ClinVar aggregate classification (germline): Uncertain significance (1 of 4 stars; one submission).

Conditions:
Breast-ovarian cancer, familial, susceptibility to, 4. Identifiers: Orphanet 145, MedGen C3280345, MONDO:0013669, OMIM 614291.

Submission:

Labcorp Genetics (formerly Invitae), Labcorp
Classification: Uncertain significance for Breast-ovarian cancer, familial, susceptibility to, 4. Last evaluated: 2019-09-29. Review status: criteria provided, single submitter. Criteria: Invitae Variant Classification Sherloc (09022015). Collection method: clinical testing. Allele origin: germline.
Comment: In summary, the available evidence is currently insufficient to determine the role of this variant in disease. Therefore, it has been classified as a Variant of Uncertain Significance. Algorithms developed to predict the effect of sequence changes on RNA splicing suggest that this variant may create or strengthen a splice site, but this prediction has not been confirmed by published transcriptional studies. Algorithms developed to predict the effect of missense changes on protein structure and function are either unavailable or do not agree on the potential impact of this missense change (SIFT: "Tolerated"; PolyPhen-2: "Possibly Damaging"; Align-GVGD: "Class C0"). This variant has not been reported in the literature in individuals with RAD51D-related conditions. This variant is not present in population databases (ExAC no frequency). This sequence change replaces leucine with valine at codon 4 of the RAD51D protein (p.Leu4Val). The leucine residue is highly conserved and there is a small physicochemical difference between leucine and valine.